The following is an entry in ClinVar:

ClinVar aggregate classification (germline): Uncertain significance. Review status: criteria provided, multiple submitters, no conflicts (2 of 4 stars). 2 submissions from 2 submitters: Uncertain significance (2). Last evaluated 2022-12-19.

Conditions:
Inborn genetic diseases. Identifiers: MedGen C0950123, MeSH D030342.
Congenital myasthenic syndrome 8. Also called: MYASTHENIC SYNDROME, CONGENITAL, DUE TO AGRIN DEFICIENCY; Myasthenic syndrome, congenital, 8, with pre- and postsynaptic defects. Identifiers: Orphanet 590, MedGen C3808739, MONDO:0014052, OMIM 615120.

Allele frequency attached by ClinVar (database versions not stated): TOPMed 0.00004; gnomAD 0.00006; ESP Exome Variant Server 0.00016; ExAC 0.00017.
gnomAD v4.1: 106 of 1,580,860 alleles (0.0067%); highest among the groups gnomAD compares: Non-Finnish European, 0.0071%; no homozygotes.

Submissions (2):

Ambry Genetics
Classification: Uncertain significance for Inborn genetic diseases. Last evaluated: 2022-12-19. Review status: criteria provided, single submitter. Criteria: Ambry Variant Classification Scheme 2023. Collection method: clinical testing. Allele origin: germline.

Labcorp Genetics (formerly Invitae), Labcorp
Classification: Uncertain significance for Congenital myasthenic syndrome 8. Last evaluated: 2022-04-04. Review status: criteria provided, single submitter. Criteria: Invitae Variant Classification Sherloc (09022015). Collection method: clinical testing. Allele origin: germline.
Comment: This sequence change replaces proline, which is neutral and non-polar, with leucine, which is neutral and non-polar, at codon 1536 of the AGRN protein (p.Pro1536Leu). This variant is present in population databases (rs199886763, gnomAD 0.009%). This variant has not been reported in the literature in individuals affected with AGRN-related conditions. Algorithms developed to predict the effect of missense changes on protein structure and function (SIFT, PolyPhen-2, Align-GVGD) all suggest that this variant is likely to be tolerated. In summary, the available evidence is currently insufficient to determine the role of this variant in disease. Therefore, it has been classified as a Variant of Uncertain Significance.

NM_198576.4(AGRN):c.4607C>T (p.Pro1536Leu)

Gene: AGRN (agrin; plus strand). Cytogenetic location: 1p36.33.
Variant type: single nucleotide variant.
Coding change: c.4607C>T on transcript NM_198576.4 (MANE Select); coding-DNA position 4607, C replaced by T.
Protein change: p.Pro1536Leu; replaces proline 1536 with leucine.
Molecular consequence: missense variant.
Genome position (GRCh38, 1-based): chr1:1,049,658, C>T. VCF-style: chr1-1049658-C-T. GRCh37 (hg19) VCF-style: chr1-985038-C-T.
Other names: c.4607C>T, p.Pro1536Leu (NM_001305275.2); c.4292C>T, p.Pro1431Leu (NM_001364727.2); c.4607C>T (NM_198576.3); short protein forms P1536L, P1431L.
Identifiers: ClinVar variation 2194977 (VCV002194977.2), dbSNP rs199886763, ClinGen allele CA509548.